The following is an entry in ClinVar:

NM_015141.4(GPD1L):c.754G>A (p.Ala252Thr)

Gene: GPD1L (glycerol-3-phosphate dehydrogenase 1 like; plus strand). Cytogenetic location: 3p22.3.
Variant type: single nucleotide variant.
Coding change: c.754G>A on transcript NM_015141.4 (MANE Select); coding-DNA position 754, G replaced by A.
Protein change: p.Ala252Thr; replaces alanine 252 with threonine.
Molecular consequence: missense variant.
Genome position (GRCh38, 1-based): chr3:32,159,011, G>A. VCF-style: chr3-32159011-G-A. GRCh37 (hg19) VCF-style: chr3-32200503-G-A.
Other names: short protein forms A252T.
Identifiers: ClinVar variation 1009360 (VCV001009360.5), dbSNP rs767832404, ClinGen allele CA2296735.
Genomic context (GRCh38, chr3:32,159,011, plus strand): 5'-CTGGGACTCATGGAAATGATTGCTTTTGCCAGGATCTTCTGCAAAGGCCAAGTGTCTACA[G>A]CCACCTTCCTAGAGAGCTGCGGGGTGGCCGACCTGATCACCACCTGTTACGGAGGGCGGA-3'
Protein context (NP_055956.1, residues 242-262): RIFCKGQVST[Ala252Thr]TFLESCGVAD

ClinVar aggregate classification (germline): Uncertain significance (1 of 4 stars; one submission).

Conditions:
Brugada syndrome. Also called: Sudden unexplained nocturnal death syndrome; Sudden Unexplained Death Syndrome; Sudden Unexplained Nocturnal Death Syndrome (SUNDS); Sudden unexpected nocturnal death syndrome. Identifiers: Orphanet 130, MedGen C1142166, MONDO:0015263.

Allele frequency attached by ClinVar (database versions not stated): gnomAD exomes below 0.00001; ExAC 0.00001.
gnomAD v4.1: 1 of 1,614,068 alleles (0.000062%); highest among the groups gnomAD compares: Non-Finnish European, 0.000085%; no homozygotes.

Submission:

Labcorp Genetics (formerly Invitae), Labcorp
Classification: Uncertain significance for Brugada syndrome. Last evaluated: 2020-06-21. Review status: criteria provided, single submitter. Criteria: Invitae Variant Classification Sherloc (09022015). Collection method: clinical testing. Allele origin: germline.
Comment: This sequence change replaces alanine with threonine at codon 252 of the GPD1L protein (p.Ala252Thr). The alanine residue is moderately conserved and there is a small physicochemical difference between alanine and threonine. This variant is present in population databases (rs767832404, ExAC 0.002%). In summary, the available evidence is currently insufficient to determine the role of this variant in disease. Therefore, it has been classified as a Variant of Uncertain Significance. Algorithms developed to predict the effect of missense changes on protein structure and function (SIFT, PolyPhen-2, Align-GVGD) all suggest that this variant is likely to be tolerated, but these predictions have not been confirmed by published functional studies and their clinical significance is uncertain. This variant has not been reported in the literature in individuals with GPD1L-related conditions.